The following is an entry in ClinVar:

ClinVar aggregate classification (germline): Uncertain significance (1 of 4 stars; one submission).

Submission:

Centre for Clinical Genetics and Genomic Diagnostics, Zealand University Hospital
Classification: Uncertain significance. Last evaluated: 2026-02-17. Review status: criteria provided, single submitter. Criteria: ACMG Guidelines, 2015. Collection method: clinical testing. Allele origin: de novo. Inheritance: Autosomal dominant inheritance. Affected: yes. Observed: 1 variant allele, 1 heterozygote.
Comment: De novo variant with inconsistent in silico predictions. Phenotype judged as consistent with gene but not highly specific and with high genetic heterogeneity. PM2_sup PP3_sup PS2_sup PP2_sup.

NM_003128.3(SPTBN1):c.1055A>C (p.Lys352Thr)

Gene: SPTBN1 (spectrin beta, non-erythrocytic 1; plus strand). Cytogenetic location: 2p16.2.
Variant type: single nucleotide variant.
Coding change: c.1055A>C on transcript NM_003128.3 (MANE Select); coding-DNA position 1055, A replaced by C.
Protein change: p.Lys352Thr; replaces lysine 352 with threonine.
Molecular consequence: missense variant.
Genome position (GRCh38, 1-based): chr2:54,622,478, A>C. VCF-style: chr2-54622478-A-C. GRCh37 (hg19) VCF-style: chr2-54849615-A-C.
Other names: c.1016A>C, p.Lys339Thr (NM_178313.3); short protein forms K339T, K352T.
Identifiers: ClinVar variation 4813363 (VCV004813363.1).